The following is an entry in ClinVar:

NM_000019.4(ACAT1):c.121-3C>G

Gene: ACAT1 (acetyl-CoA acetyltransferase 1; plus strand). Cytogenetic location: 11q22.3.
Variant type: single nucleotide variant.
Coding change: c.121-3C>G on transcript NM_000019.4 (MANE Select); 3 bases into the intron before coding-DNA position 121, C replaced by G.
Molecular consequence: intron variant.
Genome position (GRCh38, 1-based): chr11:108,133,817, C>G. VCF-style: chr11-108133817-C-G. GRCh37 (hg19) VCF-style: chr11-108004544-C-G.
Identifiers: ClinVar variation 666466 (VCV000666466.7), dbSNP rs1591361919, ClinGen allele CA915947685.

ClinVar aggregate classification (germline): Pathogenic/Likely pathogenic. Review status: criteria provided, multiple submitters, no conflicts (2 of 4 stars). 4 submissions from 4 submitters: Pathogenic (1); Likely pathogenic (2). 1 of the submissions does not count toward it. Last evaluated 2025-09-26.

Conditions:
Deficiency of acetyl-CoA acetyltransferase. Also called: MITOCHONDRIAL ACETOACETYL-CoA THIOLASE DEFICIENCY; Beta-ketothiolase deficiency; 3-KETOTHIOLASE DEFICIENCY; 3-OXOTHIOLASE DEFICIENCY. Identifiers: Orphanet 134, MedGen C1536500, MONDO:0008760, OMIM 203750. Disease mechanism: loss of function.

Submissions (4):

Natera, Inc.
Classification: Likely pathogenic for Alpha-methylacetoacetic aciduria. Last evaluated: 2025-09-26. Review status: criteria provided, single submitter. Criteria: Natera Variant Classification Schema (03/2026). Collection method: clinical testing. Allele origin: germline.
Comment: The c.121-3C>G variant in ACAT1 is an intronic variant located outside the canonical splice sites. This variant is rare in the general population with a frequency below the threshold expected for the associated phenotype(s). This variant has been observed in one or more individuals affected with the associated recessive disease, as either homozygous or compound heterozygous with a second variant (PMID: 33708533, 28875337). This variant has been identified in one or more affected individual with a phenotype highly consistent with the associated gene (PMID: 33708533). Computational prediction algorithms indicate this variant is likely to affect gene or protein function. Given the available evidence, this variant is classified as Likely Pathogenic.

Fulgent Genetics
Classification: Likely pathogenic for Deficiency of acetyl-CoA acetyltransferase. Last evaluated: 2024-05-18. Review status: criteria provided, single submitter. Criteria: ACMG Guidelines, 2015. Collection method: clinical testing. Allele origin: germline.

Labcorp Genetics (formerly Invitae), Labcorp
Classification: Pathogenic for Deficiency of acetyl-CoA acetyltransferase. Last evaluated: 2023-05-24. Review status: criteria provided, single submitter. Criteria: Invitae Variant Classification Sherloc (09022015). Collection method: clinical testing. Allele origin: germline.
Comment: For these reasons, this variant has been classified as Pathogenic. Variants that disrupt the consensus splice site are a relatively common cause of aberrant splicing (PMID: 17576681, 9536098). Algorithms developed to predict the effect of sequence changes on RNA splicing suggest that this variant may disrupt the consensus splice site. ClinVar contains an entry for this variant (Variation ID: 666466). This variant is also known as IVS2-3C>G. This variant has been observed in individual(s) with beta-ketothiolase deficiency (PMID: 28875337, 33708533). In at least one individual the data is consistent with being in trans (on the opposite chromosome) from a pathogenic variant. This variant is not present in population databases (gnomAD no frequency). This sequence change falls in intron 2 of the ACAT1 gene. It does not directly change the encoded amino acid sequence of the ACAT1 protein. It affects a nucleotide within the consensus splice site.

Department of Pediatrics, Gifu University
Classification: Uncertain significance for Deficiency of acetyl-CoA acetyltransferase. Last evaluated: 2019-05-05. Review status: flagged submission. Criteria: ACMG Guidelines, 2015. Collection method: literature only. Allele origin: germline. Affected: yes. Observed: 1 variant allele. Not counted in ClinVar's aggregate classification.
ClinVar note: Reason: Older claim that does not account for recent evidence

Literature cited by the submitters: PubMed 33708533 (cited by Natera, Inc. and Labcorp Genetics (formerly Invitae), Labcorp); PubMed 28875337 (cited by Natera, Inc. and Labcorp Genetics (formerly Invitae), Labcorp); PubMed 17576681 (cited by Labcorp Genetics (formerly Invitae), Labcorp); PubMed 9536098 (cited by Labcorp Genetics (formerly Invitae), Labcorp); PubMed 31268215 (cited by Department of Pediatrics, Gifu University).